The following is an entry in ClinVar:

ClinVar aggregate classification (germline): Benign. Review status: criteria provided, single submitter (1 of 4 stars). 2 submissions from 2 submitters: Benign (1). 1 of the submissions does not count toward it. Last evaluated 2026-01-27.

Conditions:
Primary open angle glaucoma (POAG). Also called: OPTN-related open angle glaucoma. Identifiers: MedGen C0339573, MONDO:0100553, OMIM 137760.

Allele frequency attached by ClinVar (database versions not stated): gnomAD 0.00123 and 0.00133; 1000 Genomes Project 0.00020; ESP Exome Variant Server 0.00031; TOPMed 0.00031; gnomAD exomes 0.00052 and 0.00115; 1000 Genomes Project 30x 0.00016; ExAC 0.00094.
gnomAD v4.1: 926 of 1,614,190 alleles (0.057%); highest among the groups gnomAD compares: African/African-American, 0.06%; 8 homozygotes.

Submissions (2):

Labcorp Genetics (formerly Invitae), Labcorp
Classification: Benign. Last evaluated: 2026-01-27. Review status: criteria provided, single submitter. Criteria: Invitae Variant Classification Sherloc (09022015). Collection method: clinical testing. Allele origin: germline.

Elahi Laboratory, University of Tehran
Classification: Uncertain significance for Primary open angle glaucoma. Review status: no assertion criteria provided. Collection method: not provided. Allele origin: unknown. Not counted in ClinVar's aggregate classification.
ClinVar note: Converted during submission from unknown to Uncertain significance.

NM_000428.3(LTBP2):c.4356G>A (p.Pro1452=)

Gene: LTBP2 (latent transforming growth factor beta binding protein 2; minus strand). Cytogenetic location: 14q24.3.
Variant type: single nucleotide variant.
Coding change: c.4356G>A on transcript NM_000428.3 (MANE Select); coding-DNA position 4356, G replaced by A.
Protein change: p.Pro1452=; no amino-acid change (proline 1452 retained).
Molecular consequence: synonymous variant.
Genome position (GRCh38, 1-based): chr14:74,504,996, C>T on the plus strand (G>A on the coding strand, the complement: LTBP2 is on the minus strand). VCF-style: chr14-74504996-C-T. GRCh37 (hg19) VCF-style: chr14-74971699-C-T.
Identifiers: ClinVar variation 126956 (VCV000126956.11), dbSNP rs137854865, ClinGen allele CA151345.